The following is an entry in ClinVar:

NM_001029.5(RPS26):c.-33C>T

Gene: RPS26 (ribosomal protein S26; plus strand). Cytogenetic location: 12q13.2.
Variant type: single nucleotide variant.
Coding change: c.-33C>T on transcript NM_001029.5 (MANE Select); 33 bases upstream of the start codon, C replaced by T.
Molecular consequence: 5 prime UTR variant.
Genome position (GRCh38, 1-based): chr12:56,042,134, C>T. VCF-style: chr12-56042134-C-T. GRCh37 (hg19) VCF-style: chr12-56435918-C-T.
Other names: c.-33C>T (LRG_1146t1).
Identifiers: ClinVar variation 309854 (VCV000309854.5), dbSNP rs372794158, ClinGen allele CA6621620.

ClinVar aggregate classification (germline): Likely benign (1 of 4 stars; one submission).

Conditions:
Diamond-Blackfan anemia 10 (DBA10). Also called: RPS26-Related Diamond-Blackfan Anemia. Identifiers: Orphanet 124, MedGen C2750080, MONDO:0013217, OMIM 613309.

Allele frequency attached by ClinVar (database versions not stated): gnomAD 0.00006; TOPMed 0.00006; ESP Exome Variant Server 0.00008.
gnomAD v4.1: 41 of 1,613,492 alleles (0.0025%); highest among the groups gnomAD compares: African/African-American, 0.0067%; no homozygotes.

Submission:

Illumina Laboratory Services, Illumina
Classification: Likely benign for Diamond-Blackfan anemia 10. Last evaluated: 2018-01-12. Review status: criteria provided, single submitter. Criteria: ICSL Variant Classification Criteria 13 December 2019. Collection method: clinical testing. Allele origin: germline.
Comment: This variant was observed in the ICSL laboratory as part of a predisposition screen in an ostensibly healthy population. It had not been previously curated by ICSL or reported in the Human Gene Mutation Database (HGMD: prior to June 1st, 2018), and was therefore a candidate for classification through an automated scoring system. Utilizing variant allele frequency, disease prevalence and penetrance estimates, and inheritance mode, an automated score was calculated to assess if this variant is too frequent to cause the disease. Based on the score and internal cut-off values, a variant classified as likely benign is not then subjected to further curation. The score for this variant resulted in a classification of likely benign for this disease.